The following is an entry in ClinVar:

ClinVar aggregate classification (germline): Uncertain significance (1 of 4 stars; one submission).

Submission:

Labcorp Genetics (formerly Invitae), Labcorp
Classification: Uncertain significance. Last evaluated: 2020-12-04. Review status: criteria provided, single submitter. Criteria: Invitae Variant Classification Sherloc (09022015). Collection method: clinical testing. Allele origin: germline.
Comment: In summary, the available evidence is currently insufficient to determine the role of this variant in disease. Therefore, it has been classified as a Variant of Uncertain Significance. Algorithms developed to predict the effect of missense changes on protein structure and function output the following: SIFT: "Tolerated"; PolyPhen-2: "Benign"; Align-GVGD: "Class C0". The leucine amino acid residue is found in multiple mammalian species, suggesting that this missense change does not adversely affect protein function. These predictions have not been confirmed by published functional studies and their clinical significance is uncertain. This variant has not been reported in the literature in individuals with AHR-related conditions. This variant is not present in population databases (ExAC no frequency). This sequence change replaces isoleucine with leucine at codon 818 of the AHR protein (p.Ile818Leu). The isoleucine residue is moderately conserved and there is a small physicochemical difference between isoleucine and leucine.

NM_001621.5(AHR):c.2452A>T (p.Ile818Leu)

Gene: AHR (aryl hydrocarbon receptor; plus strand). Cytogenetic location: 7p21.1.
Variant type: single nucleotide variant.
Coding change: c.2452A>T on transcript NM_001621.5 (MANE Select); coding-DNA position 2452, A replaced by T.
Protein change: p.Ile818Leu; replaces isoleucine 818 with leucine.
Molecular consequence: missense variant.
Genome position (GRCh38, 1-based): chr7:17,342,969, A>T. VCF-style: chr7-17342969-A-T. GRCh37 (hg19) VCF-style: chr7-17382593-A-T.
Other names: short protein forms I818L.
Identifiers: ClinVar variation 1489751 (VCV001489751.8), dbSNP rs372313569, ClinGen allele CA366897353.